The following is an entry in ClinVar:

NM_001127222.2(CACNA1A):c.4328A>G (p.Asp1443Gly)

Gene: CACNA1A (calcium voltage-gated channel subunit alpha1 A; minus strand). Cytogenetic location: 19p13.13.
Variant type: single nucleotide variant.
Coding change: c.4328A>G on transcript NM_001127222.2 (MANE Select); coding-DNA position 4328, A replaced by G.
Protein change: p.Asp1443Gly; replaces aspartic acid 1443 with glycine.
Molecular consequence: missense variant.
Genome position (GRCh38, 1-based): chr19:13,259,624, T>C on the plus strand (A>G on the coding strand, the complement: CACNA1A is on the minus strand). VCF-style: chr19-13259624-T-C. GRCh37 (hg19) VCF-style: chr19-13370438-T-C.
Other names: c.4331A>G, p.Asp1444Gly (NM_001127221.2, NM_001174080.2); c.4340A>G, p.Asp1447Gly (NM_023035.3, NM_000068.4); short protein forms D1443G, D1444G, D1447G.
Identifiers: ClinVar variation 870398 (VCV000870398.5), dbSNP rs2056674575, ClinGen allele CA404339323.
Genomic context (GRCh38, chr19:13,259,624, plus strand): 5'-TGTGGCCAGCCTTCTCCCGTGGACACGGTGAAGAGGGTCAGCAGAGCCCACAGCACATTG[T>C]CGTAATGGAATTCATACTTCTTCCACTCCCGGTCTCGCGCCTTCACCTCATTCTTCTCGT-3'
Protein context (NP_001120694.1, residues 1433-1453): REWKKYEFHY[Asp1443Gly]NVLWALLTLF

ClinVar aggregate classification (germline): Uncertain significance (1 of 4 stars; one submission).

Conditions:
Developmental and epileptic encephalopathy, 42 (DEE42A). Also called: Epileptic encephalopathy, early infantile, 42; DEVELOPMENTAL AND EPILEPTIC ENCEPHALOPATHY 42A; EPILEPTIC ENCEPHALOPATHY, EARLY INFANTILE, 42A. Identifiers: MedGen C4310716, MONDO:0014917, OMIM 617106.

Submission:

Victorian Clinical Genetics Services, Murdoch Childrens Research Institute
Classification: Uncertain significance for Developmental and epileptic encephalopathy, 42. Last evaluated: 2025-07-14. Review status: criteria provided, single submitter. Criteria: ACMG Guidelines, 2015. Collection method: clinical testing. Allele origin: germline. Affected: yes.
Comment: This variant is classified as VUS-3A. Evidence in support of pathogenic classification: Variant is absent from gnomAD (v2, v3 and v4); Missense variant predicted to be damaging by in silico tool(s) or highly conserved with a major amino acid change. Additional information: Variant is predicted to result in a missense amino acid change from aspartic acid to glycine; This variant is heterozygous; This gene is associated with autosomal dominant disease; This variant has no previous evidence of pathogenicity; No published functional evidence has been identified for this variant; Another missense variant(s) comparable to the one identified in this case has inconclusive previous evidence for pathogenicity. p.(Asp1443Asn) has been classified as a VUS by clinical laboratories in ClinVar; Variant is located in the annotated ion transport protein domain (DECIPHER) - Loss of function and gain of function are known mechanisms of disease in this gene and are associated with CACNA1A-related disease. Episodic ataxia, type 2 (MIM#108500) is caused by variants with a loss of function mechanism (PMID: 28566750); The condition associated with this gene has incomplete penetrance. Reduced penetrance has been reported for patients with episodic ataxia, type 2 (OMIM); Variants in this gene are known to have variable expressivity. Two families with episodic ataxia, intellectual disability and/or epilepsy have been reported with intrafamilial variability (PMID: 32910250, 30142438).

Literature cited by the submitters: PubMed 30142438; PubMed 32910250; PubMed 28566750.